The following is an entry in ClinVar:

NM_000138.5(FBN1):c.1636T>G (p.Cys546Gly)

Gene: FBN1 (fibrillin 1; minus strand). Cytogenetic location: 15q21.1.
Variant type: single nucleotide variant.
Coding change: c.1636T>G on transcript NM_000138.5 (MANE Select); coding-DNA position 1636, T replaced by G.
Protein change: p.Cys546Gly; replaces cysteine 546 with glycine.
Molecular consequence: missense variant.
Genome position (GRCh38, 1-based): chr15:48,510,122, A>C on the plus strand (T>G on the coding strand, the complement: FBN1 is on the minus strand). VCF-style: chr15-48510122-A-C. GRCh37 (hg19) VCF-style: chr15-48802319-A-C.
Other names: c.1636T>G, p.Cys546Gly (NM_001406716.1); short protein forms C546G.
Identifiers: ClinVar variation 3754089 (VCV003754089.2).

ClinVar aggregate classification (germline): Pathogenic (1 of 4 stars; one submission).

Conditions:
Marfan syndrome (MFS). Also called: MARFAN SYNDROME, TYPE I; Marfan syndrome type 1; Marfan's syndrome; Marfan syndrome, classic; FBN1-Related Marfan Syndrome. Identifiers: Orphanet 284963, Orphanet 558, MedGen C0024796, MONDO:0007947, OMIM 154700.
Familial thoracic aortic aneurysm and aortic dissection (TAAD). Also called: Thoracic aortic aneurysms and dissections. Identifiers: Orphanet 91387, MedGen C4707243, MONDO:0019625.

Submission:

Labcorp Genetics (formerly Invitae), Labcorp
Classification: Pathogenic for Marfan syndrome; Familial thoracic aortic aneurysm and aortic dissection. Last evaluated: 2024-04-01. Review status: criteria provided, single submitter. Criteria: Invitae Variant Classification Sherloc (09022015). Collection method: clinical testing. Allele origin: germline.
Comment: This sequence change replaces cysteine, which is neutral and slightly polar, with glycine, which is neutral and non-polar, at codon 546 of the FBN1 protein (p.Cys546Gly). This variant is not present in population databases (gnomAD no frequency). This missense change has been observed in individual(s) with Marfan syndrome (Invitae). Advanced modeling of protein sequence and biophysical properties (such as structural, functional, and spatial information, amino acid conservation, physicochemical variation, residue mobility, and thermodynamic stability) performed at Invitae indicates that this missense variant is expected to disrupt FBN1 protein function with a positive predictive value of 95%. This variant affects a cysteine residue in the EGF-like, TGFBP or hybrid motif domains of FBN1. Cysteine residues are believed to be involved in intramolecular disulfide bridges and have been shown to be important for FBN1 protein structure (PMID: 16905551, 19349279). In addition, missense substitutions affecting cysteine residues within these domains are significantly overrepresented among patients with Marfan syndrome (PMID: 16571647, 17701892). For these reasons, this variant has been classified as Pathogenic.

Literature cited by the submitters: PubMed 16905551; PubMed 19349279; PubMed 16571647; PubMed 17701892.